The following is an entry in ClinVar:

NM_000088.4(COL1A1):c.1057-3C>G

Gene: COL1A1 (collagen type I alpha 1 chain; minus strand). Cytogenetic location: 17q21.33.
Variant type: single nucleotide variant.
Coding change: c.1057-3C>G on transcript NM_000088.4 (MANE Select); 3 bases into the intron before coding-DNA position 1057, C replaced by G.
Molecular consequence: intron variant.
Genome position (GRCh38, 1-based): chr17:50,195,668, G>C on the plus strand (C>G on the coding strand, the complement: COL1A1 is on the minus strand). VCF-style: chr17-50195668-G-C. GRCh37 (hg19) VCF-style: chr17-48273029-G-C.
Identifiers: ClinVar variation 456726 (VCV000456726.9), dbSNP rs1555574180, ClinGen allele CA658656717.

ClinVar aggregate classification (germline): Uncertain significance (1 of 4 stars; one submission).

Conditions:
Osteogenesis imperfecta type I (OI1). Also called: OI, TYPE I; OSTEOGENESIS IMPERFECTA TARDA; OSTEOGENESIS IMPERFECTA WITH BLUE SCLERAE; Osteogenesis imperfecta type 1; Lobstein's Disease; Lobstein disease. Identifiers: Orphanet 216796, Orphanet 666, MedGen C0023931, MONDO:0008146, OMIM 166200. Disease mechanism: loss of function.

Submission:

Labcorp Genetics (formerly Invitae), Labcorp
Classification: Uncertain significance for Osteogenesis imperfecta type I. Last evaluated: 2024-05-04. Review status: criteria provided, single submitter. Criteria: Invitae Variant Classification Sherloc (09022015). Collection method: clinical testing. Allele origin: germline.
Comment: This sequence change falls in intron 16 of the COL1A1 gene. It does not directly change the encoded amino acid sequence of the COL1A1 protein. It affects a nucleotide within the consensus splice site. This variant is not present in population databases (gnomAD no frequency). This variant has been observed in individuals with clinical features of osteogenesis imperfecta (Invitae). ClinVar contains an entry for this variant (Variation ID: 456726). Variants that disrupt the consensus splice site are a relatively common cause of aberrant splicing (PMID: 17576681, 9536098). Algorithms developed to predict the effect of sequence changes on RNA splicing suggest that this variant may disrupt the consensus splice site. In summary, the available evidence is currently insufficient to determine the role of this variant in disease. Therefore, it has been classified as a Variant of Uncertain Significance.

Literature cited by the submitters: PubMed 17576681; PubMed 9536098.